The following is an entry in ClinVar:

NM_001365276.2(TNXB):c.3595C>T (p.Arg1199Trp)

Gene: TNXB (tenascin XB; minus strand). Cytogenetic location: 6p21.33.
Variant type: single nucleotide variant.
Coding change: c.3595C>T on transcript NM_001365276.2 (MANE Select); coding-DNA position 3595, C replaced by T.
Protein change: p.Arg1199Trp; replaces arginine 1199 with tryptophan.
Molecular consequence: missense variant.
Genome position (GRCh38, 1-based): chr6:32,082,177, G>A on the plus strand (C>T on the coding strand, the complement: TNXB is on the minus strand). VCF-style: chr6-32082177-G-A. GRCh37 (hg19) VCF-style: chr6-32049954-G-A.
Other names: c.3595C>T, p.Arg1199Trp (NM_019105.8); c.3595C>T (NM_019105.6); short protein forms R1199W.
Identifiers: ClinVar variation 1176196 (VCV001176196.37), dbSNP rs1462486516, ClinGen allele CA363437359.

ClinVar aggregate classification (germline): Uncertain significance. Review status: criteria provided, multiple submitters, no conflicts (2 of 4 stars). 2 submissions from 2 submitters: Uncertain significance (2). Last evaluated 2023-07-16.

Conditions:
Cardiovascular phenotype. Identifiers: MedGen CN230736.

Allele frequency attached by ClinVar (database versions not stated): gnomAD exomes below 0.00001 and 0.00001.
gnomAD v4.1: 17 of 1,612,656 alleles (0.0011%); highest among the groups gnomAD compares: East Asian, 0.0045%; no homozygotes.

Submissions (2):

Ambry Genetics
Classification: Uncertain significance for Cardiovascular phenotype. Last evaluated: 2023-07-16. Review status: criteria provided, single submitter. Criteria: Ambry Variant Classification Scheme 2023. Collection method: clinical testing. Allele origin: germline.
Comment: The p.R1199W variant (also known as c.3595C>T), located in coding exon 8 of the TNXB gene, results from a C to T substitution at nucleotide position 3595. The arginine at codon 1199 is replaced by tryptophan, an amino acid with dissimilar properties. This amino acid position is conserved. In addition, this alteration is predicted to be tolerated by in silico analysis. Since supporting evidence is limited at this time, the clinical significance of this alteration remains unclear.

CeGaT Center for Human Genetics Tuebingen
Classification: Uncertain significance. Last evaluated: 2021-05-01. Review status: criteria provided, single submitter. Criteria: CeGaT Center For Human Genetics Tuebingen Variant Classification Criteria Version 2. Collection method: clinical testing. Allele origin: germline. Affected: yes. Observed: 1 variant allele.